The following is an entry in ClinVar:

NM_003482.4(KMT2D):c.3907-11_3907-9del

Genes: KMT2D (lysine methyltransferase 2D; minus strand), LOC126861520 (CDK7 strongly-dependent group 2 enhancer GRCh37_chr12:49442744-49443943; plus strand). Cytogenetic location: 12q13.12.
Variant type: Microsatellite.
Coding change: c.3907-11_3907-9del on transcript NM_003482.4 (MANE Select); 11 bases into the intron before coding-DNA position 3907 through 9 bases into the intron before coding-DNA position 3907, 3 bases deleted (CTT; older notation c.3907-11_3907-9delCTT).
Molecular consequence: intron variant.
Genome position (GRCh38, 1-based): chr12:49,049,227-49,049,229, AAG deleted on the plus strand (CTT on the coding strand, the reverse complement: KMT2D is on the minus strand); deleting any 3 consecutive bases within chr12:49,049,227-49,049,232 gives the same sequence; the c. name uses the placement nearest the transcript's 3' end. VCF-style (leftmost placement, unchanged base first): chr12-49049226-AAAG-A. GRCh37 (hg19) VCF-style: chr12-49443009-AAAG-A.
Identifiers: ClinVar variation 2430620 (VCV002430620.1), dbSNP rs772305848, ClinGen allele CA6547949.
Genomic context (GRCh38, chr12:49,049,226, plus strand): 5'-CCATGGGCTCCTCCACGAGGCCGGCGTCTTCCTGGGAAACTGCTGCTGCGACCCTGAGTG[AAAG>A]AAGGGGACAATGACAGGAGCATGTCAAGGGCTAGTGTGTTGGGTTTACACACTTGAACAG-3'

ClinVar aggregate classification (germline): Uncertain significance (1 of 4 stars; one submission).

Submission:

GeneDx
Classification: Uncertain significance. Last evaluated: 2023-02-08. Review status: criteria provided, single submitter. Criteria: GeneDx Variant Classification Process June 2021. Collection method: clinical testing. Allele origin: germline. Affected: yes.
Comment: Not observed at significant frequency in large population cohorts (gnomAD); In silico analysis supports a deleterious effect on splicing; Has not been previously published as pathogenic or benign to our knowledge